The following is an entry in ClinVar:

NM_000022.4(ADA):c.19T>C (p.Phe7Leu)

Genes: ADA (adenosine deaminase; minus strand), LOC107303343 (adenosine deaminase intronic regulatory elements; plus strand). Cytogenetic location: 20q13.12.
Variant type: single nucleotide variant.
Coding change: c.19T>C on transcript NM_000022.4 (MANE Select); coding-DNA position 19, T replaced by C.
Protein change: p.Phe7Leu; replaces phenylalanine 7 with leucine.
Molecular consequence: missense variant. On other transcripts: 5 prime UTR variant (1), non-coding transcript variant (1).
Genome position (GRCh38, 1-based): chr20:44,651,589, A>G on the plus strand (T>C on the coding strand, the complement: ADA is on the minus strand). VCF-style: chr20-44651589-A-G. GRCh37 (hg19) VCF-style: chr20-43280230-A-G.
Other names: c.-271T>C (NM_001322050.2); c.19T>C, p.Phe7Leu (NM_001322051.2); short protein forms F7L.
Identifiers: ClinVar variation 2046831 (VCV002046831.4), dbSNP rs2516234946, ClinGen allele CA409122599.

ClinVar aggregate classification (germline): Uncertain significance (1 of 4 stars; one submission).

Conditions:
Severe combined immunodeficiency, autosomal recessive, T cell-negative, B cell-negative, NK cell-negative, due to adenosine deaminase deficiency. Also called: SCID DUE TO ADA DEFICIENCY; SCID DUE TO ADA DEFICIENCY, EARLY-ONSET; ADA-SCID; ADA deficiency; Adenosine deaminase deficient severe combined immunodeficiency; Severe combined immunodeficiency due to ADA deficiency. Identifiers: Orphanet 277, MedGen C0392607, MONDO:0007064, OMIM 102700.

Allele frequency attached by ClinVar (database versions not stated): gnomAD exomes below 0.00001.
gnomAD v4.1: 4 of 1,540,646 alleles (0.00026%); highest among the groups gnomAD compares: Non-Finnish European, 0.00035%; no homozygotes.

Submission:

Labcorp Genetics (formerly Invitae), Labcorp
Classification: Uncertain significance for Severe combined immunodeficiency, autosomal recessive, T cell-negative, B cell-negative, NK cell-negative, due to adenosine deaminase deficiency. Last evaluated: 2022-02-15. Review status: criteria provided, single submitter. Criteria: Invitae Variant Classification Sherloc (09022015). Collection method: clinical testing. Allele origin: germline.
Comment: In summary, the available evidence is currently insufficient to determine the role of this variant in disease. Therefore, it has been classified as a Variant of Uncertain Significance. Algorithms developed to predict the effect of missense changes on protein structure and function (SIFT, PolyPhen-2, Align-GVGD) all suggest that this variant is likely to be tolerated. This variant has not been reported in the literature in individuals affected with ADA-related conditions. This variant is not present in population databases (gnomAD no frequency). This sequence change replaces phenylalanine, which is neutral and non-polar, with leucine, which is neutral and non-polar, at codon 7 of the ADA protein (p.Phe7Leu).